The following is an entry in ClinVar:

ClinVar aggregate classification (germline): Uncertain significance (1 of 4 stars; one submission).

Conditions:
Familial thoracic aortic aneurysm and aortic dissection (TAAD). Also called: Thoracic aortic aneurysms and dissections. Identifiers: Orphanet 91387, MedGen C4707243, MONDO:0019625.

Submission:

Ambry Genetics
Classification: Uncertain significance for Familial thoracic aortic aneurysm and aortic dissection. Last evaluated: 2026-08-07. Review status: criteria provided, single submitter. Criteria: Ambry Variant Classification Scheme 2023. Collection method: clinical testing. Allele origin: germline.
Comment: The p.S1256F variant (also known as c.3767C>T), located in coding exon 21 of the FLNA gene, results from a C to T substitution at nucleotide position 3767. The serine at codon 1256 is replaced by phenylalanine, an amino acid with highly dissimilar properties. This amino acid position is well conserved in available vertebrate species. In addition, this alteration is predicted to be deleterious by in silico analysis. Based on the available evidence, the clinical significance of this variant remains unclear.

NM_001110556.2(FLNA):c.3767C>T (p.Ser1256Phe)

Gene: FLNA (filamin A; minus strand). Cytogenetic location: Xq28.
Variant type: single nucleotide variant.
Coding change: c.3767C>T on transcript NM_001110556.2 (MANE Select); coding-DNA position 3767, C replaced by T.
Protein change: p.Ser1256Phe; replaces serine 1256 with phenylalanine.
Molecular consequence: missense variant.
Genome position (GRCh38, 1-based): chrX:154,360,028, G>A on the plus strand (C>T on the coding strand, the complement: FLNA is on the minus strand). VCF-style: chrX-154360028-G-A. GRCh37 (hg19) VCF-style: chrX-153588396-G-A.
Other names: c.3767C>T, p.Ser1256Phe (NM_001456.4); short protein forms S1256F.
Identifiers: ClinVar variation 5021913 (VCV005021913.1).
Genomic context (GRCh38, chrX:154,360,028, plus strand): 5'-ACCCCACGGCAGGGCAACTCACCCTGGCCCTCAATACCAGGCCCATAGCACTGGACACCG[G>A]AAGTGTCCACCGCAGGTTCCACCTGCAGCTTGCTGGGGAAGTTGGGCACGGGCTGGCCGC-3'
Protein context (NP_001104026.1, residues 1246-1266): KLQVEPAVDT[Ser1256Phe]GVQCYGPGIE